The following is an entry in ClinVar:

NM_001042631.3(SDHAF1):c.135C>A (p.Ser45=)

Gene: SDHAF1 (succinate dehydrogenase complex assembly factor 1; plus strand). Cytogenetic location: 19q13.12.
Variant type: single nucleotide variant.
Coding change: c.135C>A on transcript NM_001042631.3 (MANE Select); coding-DNA position 135, C replaced by A.
Protein change: p.Ser45=; no amino-acid change (serine 45 retained).
Molecular consequence: synonymous variant.
Genome position (GRCh38, 1-based): chr19:35,995,409, C>A. VCF-style: chr19-35995409-C-A. GRCh37 (hg19) VCF-style: chr19-36486311-C-A.
Identifiers: ClinVar variation 2649763 (VCV002649763.24), dbSNP rs1158546492, ClinGen allele CA507095925.

ClinVar aggregate classification (germline): Likely benign (1 of 4 stars; one submission).

Submission:

CeGaT Center for Human Genetics Tuebingen
Classification: Likely benign. Last evaluated: 2022-12-01. Review status: criteria provided, single submitter. Criteria: CeGaT Center For Human Genetics Tuebingen Variant Classification Criteria Version 2. Collection method: clinical testing. Allele origin: germline. Affected: yes. Observed: 1 variant allele.
Comment: SDHAF1: PM2:Supporting, BP4, BP7